The following is an entry in ClinVar:

ClinVar aggregate classification (germline): Likely pathogenic (1 of 4 stars; one submission).

Conditions:
Nemaline myopathy 2 (NEM2). Also called: Nemaline myopathy 2, autosomal recessive. Identifiers: MedGen C1850569, MONDO:0009725, OMIM 256030.

Submission:

Natera, Inc.
Classification: Likely pathogenic for Nemaline myopathy type 2. Last evaluated: 2024-04-04. Review status: criteria provided, single submitter. Criteria: Natera Variant Classification Schema (03/2026). Collection method: clinical testing. Allele origin: germline.
Comment: The c.9760_9763delAAAG variant in NEB is a frameshift variant predicted to shift the reading frame beginning at codon 3254 and leads to a stop codon 49 codons downstream. This variant is expected to result in nonsense mediated decay, truncation, or a dysfunctional protein product. This variant is rare in the general population with a frequency below the threshold expected for the associated phenotype(s). Given the available evidence, this variant is classified as Likely Pathogenic.

NM_001164508.2(NEB):c.9760_9763del (p.Lys3254fs)

Gene: NEB (nebulin; minus strand). Cytogenetic location: 2q23.3.
Variant type: Microsatellite.
Coding change: c.9760_9763del on transcript NM_001164508.2 (MANE Select); coding-DNA positions 9760 to 9763, 4 bases deleted (AAAG; older notation c.9760_9763delAAAG).
Protein change: p.Lys3254fs; shifts the reading frame from lysine 3254.
Molecular consequence: frameshift variant.
Genome position (GRCh38, 1-based): chr2:151,629,607-151,629,610, CTTT deleted on the plus strand (AAAG on the coding strand, the reverse complement: NEB is on the minus strand); deleting any 4 consecutive bases within chr2:151,629,607-151,629,614 gives the same sequence; the c. name uses the placement nearest the transcript's 3' end. VCF-style (leftmost placement, unchanged base first): chr2-151629606-CCTTT-C. GRCh37 (hg19) VCF-style: chr2-152486120-CCTTT-C.
Other names: c.9760_9763delAAAG (NM_001271208.1); c.9760_9763del, p.Lys3254fs (NM_001164507.2, NM_001271208.2); c.9756_9759AAAG[1], p.Lys3254Alafs (NM_001271208.1); c.9031_9034del, p.Lys3011fs (NM_004543.5); short protein forms K3011fs, K3254fs.
Identifiers: ClinVar variation 4814800 (VCV004814800.1).
Genomic context (GRCh38, chr2:151,629,606, plus strand): 5'-ATAACGTCCCTGGAGGCCTTGGCAGCCACGATGGGGATGGCGTCACTTCGCAAGTCGTAG[CCTTT>C]CTTTTTTGCTTCTTCATTGGCAAGTTTGTATAGAGTCTATGAAAAGAAAGGCAAAGAGTT-3'